The following is an entry in ClinVar:

NM_001378189.1(CFAP57):c.2867A>G (p.Glu956Gly)

Genes: CFAP57 (cilia and flagella associated protein 57; plus strand), EBNA1BP2 (EBNA1 binding protein 2; minus strand), LOC105378685 (uncharacterized LOC105378685; minus strand). Cytogenetic location: 1p34.2.
Variant type: single nucleotide variant.
Coding change: c.2867A>G on transcript NM_001378189.1 (MANE Select); coding-DNA position 2867, A replaced by G.
Protein change: p.Glu956Gly; replaces glutamic acid 956 with glycine.
Molecular consequence: missense variant.
Genome position (GRCh38, 1-based): chr1:43,226,984, A>G. VCF-style: chr1-43226984-A-G. GRCh37 (hg19) VCF-style: chr1-43692655-A-G.
Other names: c.2867A>G, p.Glu956Gly (NM_001195831.3); c.2867A>G (NM_001195831.2); short protein forms E956G.
Identifiers: ClinVar variation 4970523 (VCV004970523.2).

ClinVar aggregate classification (germline): Conflicting classifications of pathogenicity. Review status: criteria provided, conflicting classifications (1 of 4 stars). 2 submissions from 2 submitters: Uncertain significance (1); Likely benign (1). Last evaluated 2026-07-20.

Conditions:
CFAP57-related disorder. Also called: CFAP57-related condition.

gnomAD v4.1: 1,192 of 1,510,452 alleles (0.079%); highest among the groups gnomAD compares: Non-Finnish European, 0.084%; 1 homozygote.

Submissions (2):

PreventionGenetics, part of Exact Sciences
Classification: Uncertain significance for CFAP57-related condition. Last evaluated: 2026-07-20. Review status: criteria provided, single submitter. Criteria: ACMG Guidelines, 2015. Collection method: clinical testing. Allele origin: germline.
Comment: The CFAP57 c.2867A>G variant is predicted to result in the amino acid substitution p.Glu956Gly. To our knowledge, this variant has not been reported in the literature. This variant is reported in 0.31% of alleles in individuals of European (Finnish) descent in gnomAD. Although we suspect that this variant may be benign, at this time, the clinical significance of this variant is uncertain due to the absence of conclusive functional and genetic evidence.

Blueprint Genetics
Classification: Likely benign. Last evaluated: 2024-11-08. Review status: criteria provided, single submitter. Criteria: ACMG Guidelines, 2015. Collection method: clinical testing. Allele origin: germline.